The following is an entry in ClinVar:

ClinVar aggregate classification (germline): Pathogenic (1 of 4 stars; one submission).

Conditions:
Ataxia-telangiectasia syndrome (AT). Also called: LOUIS-BAR SYNDROME; Cerebello-oculocutaneous telangiectasia; Immunodeficiency with ataxia telangiectasia; ATAXIA-TELANGIECTASIA, COMPLEMENTATION GROUP A; ATAXIA-TELANGIECTASIA, FRESNO VARIANT; Ataxia-telangiectasia, complementation group D. Identifiers: Orphanet 100, MedGen C0004135, MONDO:0008840, OMIM 208900.

Submission:

Labcorp Genetics (formerly Invitae), Labcorp
Classification: Pathogenic for Ataxia-telangiectasia syndrome. Last evaluated: 2024-07-09. Review status: criteria provided, single submitter. Criteria: Invitae Variant Classification Sherloc (09022015). Collection method: clinical testing. Allele origin: germline.
Comment: This sequence change creates a premature translational stop signal (p.Pro1235Leufs*7) in the ATM gene. It is expected to result in an absent or disrupted protein product. Loss-of-function variants in ATM are known to be pathogenic (PMID: 23807571, 25614872). This variant is not present in population databases (gnomAD no frequency). This variant has not been reported in the literature in individuals affected with ATM-related conditions. For these reasons, this variant has been classified as Pathogenic.

Literature cited by the submitters: PubMed 23807571; PubMed 25614872.

NM_000051.4(ATM):c.3699_3703dup (p.Pro1235fs)

Gene: ATM (ATM serine/threonine kinase; plus strand). Cytogenetic location: 11q22.3.
Variant type: Duplication.
Coding change: c.3699_3703dup on transcript NM_000051.4 (MANE Select); coding-DNA positions 3699 to 3703, 5 bases duplicated (TTTTC; older notation c.3699_3703dupTTTTC).
Protein change: p.Pro1235fs; shifts the reading frame from proline 1235.
Molecular consequence: frameshift variant.
Genome position (GRCh38, 1-based): chr11:108,282,832-108,282,836, TTTTC duplicated; duplicating any 5 consecutive bases within chr11:108,282,829-108,282,836 gives the same sequence; the c. name uses the placement nearest the transcript's 3' end. VCF-style (leftmost placement, unchanged base first): chr11-108282828-C-CTTCTT. GRCh37 (hg19) VCF-style: chr11-108153555-C-CTTCTT.
Other names: c.3699_3703dup, p.Pro1235fs (NM_001351834.2); short protein forms P1235fs.
Identifiers: ClinVar variation 3659071 (VCV003659071.2).